The following is an entry in ClinVar:

NM_005535.3(IL12RB1):c.580+1G>A

Gene: IL12RB1 (interleukin 12 receptor subunit beta 1; minus strand). Cytogenetic location: 19p13.11.
Variant type: single nucleotide variant.
Coding change: c.580+1G>A on transcript NM_005535.3 (MANE Select); the canonical splice donor site of the intron after coding-DNA position 580, G replaced by A.
Molecular consequence: splice donor variant.
Genome position (GRCh38, 1-based): chr19:18,076,296, C>T on the plus strand (G>A on the coding strand, the complement: IL12RB1 is on the minus strand). VCF-style: chr19-18076296-C-T. GRCh37 (hg19) VCF-style: chr19-18187106-C-T.
Other names: c.700+1G>A (NM_001290024.2, NM_001440427.1, NM_001440426.1); c.580+1G>A (NM_001290023.2, NM_001440425.1, NM_001440424.1 and 1 more transcripts).
Identifiers: ClinVar variation 3723489 (VCV003723489.2).

ClinVar aggregate classification (germline): Pathogenic (1 of 4 stars; one submission).

Conditions:
Mendelian susceptibility to mycobacterial diseases due to complete IL12RB1 deficiency. Also called: Immunodeficiency 30; IL12RB1 DEFICIENCY. Identifiers: Orphanet 319552, MedGen C4013949, MONDO:0013955, OMIM 614891.

Submission:

Labcorp Genetics (formerly Invitae), Labcorp
Classification: Pathogenic for Mendelian susceptibility to mycobacterial diseases due to complete IL12RB1 deficiency. Last evaluated: 2024-09-24. Review status: criteria provided, single submitter. Criteria: Invitae Variant Classification Sherloc (09022015). Collection method: clinical testing. Allele origin: germline.
Comment: This sequence change affects a donor splice site in intron 6 of the IL12RB1 gene. It is expected to disrupt RNA splicing. Variants that disrupt the donor or acceptor splice site typically lead to a loss of protein function (PMID: 16199547), and loss-of-function variants in IL12RB1 are known to be pathogenic (PMID: 9603733, 12591909). This variant is not present in population databases (gnomAD no frequency). Disruption of this splice site has been observed in individual(s) with IL12RB1-related conditions (PMID: 21057261). Algorithms developed to predict the effect of sequence changes on RNA splicing suggest that this variant may disrupt the consensus splice site. For these reasons, this variant has been classified as Pathogenic.

Literature cited by the submitters: PubMed 16199547; PubMed 9603733; PubMed 12591909; PubMed 21057261.